The following is an entry in ClinVar:

ClinVar aggregate classification (germline): Uncertain significance. Review status: criteria provided, multiple submitters, no conflicts (2 of 4 stars). 3 submissions from 3 submitters: Uncertain significance (3). Last evaluated 2025-04-08.

Conditions:
LZTR1-related schwannomatosis. Also called: Schwannomatosis 2; Schwannomatosis-2, susceptibility to. Identifiers: Orphanet 93921, MedGen C3810283, MONDO:0014299, OMIM 615670.

gnomAD v4.1: 1 of 1,610,220 alleles (0.000062%); highest among the groups gnomAD compares: Non-Finnish European, 0.000085%; no homozygotes.

Submissions (3):

Labcorp Genetics (formerly Invitae), Labcorp
Classification: Uncertain significance. Last evaluated: 2025-04-08. Review status: criteria provided, single submitter. Criteria: Invitae Variant Classification Sherloc (09022015). Collection method: clinical testing. Allele origin: germline.
Comment: This sequence change replaces isoleucine, which is neutral and non-polar, with valine, which is neutral and non-polar, at codon 402 of the LZTR1 protein (p.Ile402Val). This variant is not present in population databases (gnomAD no frequency). This variant has not been reported in the literature in individuals affected with LZTR1-related conditions. ClinVar contains an entry for this variant (Variation ID: 1804448). Invitae Evidence Modeling of protein sequence and biophysical properties (such as structural, functional, and spatial information, amino acid conservation, physicochemical variation, residue mobility, and thermodynamic stability) indicates that this missense variant is not expected to disrupt LZTR1 protein function with a negative predictive value of 80%. In summary, the available evidence is currently insufficient to determine the role of this variant in disease. Therefore, it has been classified as a Variant of Uncertain Significance.

Baylor Genetics
Classification: Uncertain significance for LZTR1-related schwannomatosis. Last evaluated: 2023-04-11. Review status: criteria provided, single submitter. Criteria: ACMG Guidelines, 2015. Collection method: clinical testing. Allele origin: unknown.

GeneDx
Classification: Uncertain significance. Last evaluated: 2022-06-17. Review status: criteria provided, single submitter. Criteria: GeneDx Variant Classification Process June 2021. Collection method: clinical testing. Allele origin: germline. Affected: yes.
Comment: Not observed at significant frequency in large population cohorts (gnomAD); In silico analysis supports that this missense variant does not alter protein structure/function; Has not been previously published as pathogenic or benign to our knowledge; In silico analysis, which includes splice predictors and evolutionary conservation, suggests this variant may impact gene splicing. In the absence of RNA/functional studies, the actual effect of this sequence change is unknown.

NM_006767.4(LZTR1):c.1204A>G (p.Ile402Val)

Gene: LZTR1 (leucine zipper like post translational regulator 1; plus strand). Cytogenetic location: 22q11.21.
Variant type: single nucleotide variant.
Coding change: c.1204A>G on transcript NM_006767.4 (MANE Select); coding-DNA position 1204, A replaced by G.
Protein change: p.Ile402Val; replaces isoleucine 402 with valine.
Molecular consequence: missense variant.
Genome position (GRCh38, 1-based): chr22:20,992,848, A>G. VCF-style: chr22-20992848-A-G. GRCh37 (hg19) VCF-style: chr22-21347137-A-G.
Other names: short protein forms I402V.
Identifiers: ClinVar variation 1804448 (VCV001804448.4), dbSNP rs1431518018, ClinGen allele CA410773885.